The following is an entry in ClinVar:

ClinVar aggregate classification (germline): Uncertain significance (0 of 4 stars; one submission).

Conditions:
GNAS-related disorder. Identifiers: MedGen CN380105.

gnomAD v4.1: 9 of 1,612,188 alleles (0.00056%); highest among the groups gnomAD compares: African/African-American, 0.008%; no homozygotes.

Submission:

PreventionGenetics, part of Exact Sciences
Classification: Uncertain significance for GNAS-related condition. Last evaluated: 2024-06-28. Review status: no assertion criteria provided. Collection method: clinical testing. Allele origin: germline.
Comment: The GNAS c.1720G>T variant is predicted to result in the amino acid substitution p.Asp574Tyr. Of note, in the more commonly reported transcript (NM_000516.5), this variant is pre-coding (c.-36742G>T). To our knowledge, this variant has not been reported in the literature or in a large population database, indicating this variant is rare. At this time, the clinical significance of this variant is uncertain due to the absence of conclusive functional and genetic evidence.

NM_080425.4(GNAS):c.1720G>T (p.Asp574Tyr)

Gene: GNAS (GNAS complex locus; plus strand). Cytogenetic location: 20q13.32.
Variant type: single nucleotide variant.
Coding change: c.1720G>T on transcript NM_080425.4 (MANE Plus Clinical); coding-DNA position 1720, G replaced by T.
Protein change: p.Asp574Tyr; replaces aspartic acid 574 with tyrosine.
Molecular consequence: missense variant. On other transcripts: synonymous variant (2), intron variant (3).
Genome position (GRCh38, 1-based): chr20:58,854,985, G>T. VCF-style: chr20-58854985-G-T. GRCh37 (hg19) VCF-style: chr20-57430040-G-T.
Other names: c.1533G>T, p.Thr511= (NM_001077490.3, NM_001309883.1); c.1720G>T, p.Asp574Tyr (NM_001410913.1); c.*42+14099G>T (NM_016592.5); c.43+14099G>T (NM_001410912.1); c.-39+13110G>T (NM_001309861.2); short protein forms D574Y.
Identifiers: ClinVar variation 3354816 (VCV003354816.1).